The following is an entry in ClinVar:

NM_138927.4(SON):c.5233C>T (p.Leu1745Phe)

Gene: SON (SON DNA and RNA binding protein; plus strand). Cytogenetic location: 21q22.11.
Variant type: single nucleotide variant.
Coding change: c.5233C>T on transcript NM_138927.4 (MANE Select); coding-DNA position 5233, C replaced by T.
Protein change: p.Leu1745Phe; replaces leucine 1745 with phenylalanine.
Molecular consequence: missense variant. On other transcripts: non-coding transcript variant (1), intron variant (1).
Genome position (GRCh38, 1-based): chr21:33,554,464, C>T. VCF-style: chr21-33554464-C-T. GRCh37 (hg19) VCF-style: chr21-34926770-C-T.
Other names: c.5233C>T, p.Leu1745Phe (NM_001291411.2, NM_032195.3); c.245-2692C>T (NM_001291412.3); short protein forms L1745F.
Identifiers: ClinVar variation 3778327 (VCV003778327.7).

ClinVar aggregate classification (germline): Likely benign (1 of 4 stars; one submission).

gnomAD v4.1: 2 of 1,614,154 alleles (0.00012%); highest among the groups gnomAD compares: Non-Finnish European, 0.00017%; no homozygotes.

Submission:

CeGaT Center for Human Genetics Tuebingen
Classification: Likely benign. Last evaluated: 2025-03-01. Review status: criteria provided, single submitter. Criteria: CeGaT Center For Human Genetics Tuebingen Variant Classification Criteria Version 2. Collection method: clinical testing. Allele origin: germline. Affected: yes. Observed: 1 variant allele.
Comment: SON: BP4